The following is an entry in ClinVar:

NM_005732.4(RAD50):c.2351G>C (p.Ser784Thr)

Gene: RAD50 (RAD50 double strand break repair protein; plus strand). Cytogenetic location: 5q31.1.
Variant type: single nucleotide variant.
Coding change: c.2351G>C on transcript NM_005732.4 (MANE Select); coding-DNA position 2351, G replaced by C.
Protein change: p.Ser784Thr; replaces serine 784 with threonine.
Molecular consequence: missense variant.
Genome position (GRCh38, 1-based): chr5:132,603,443, G>C. VCF-style: chr5-132603443-G-C. GRCh37 (hg19) VCF-style: chr5-131939135-G-C.
Other names: c.2351G>C (NM_005732.3); short protein forms S784T.
Identifiers: ClinVar variation 3013418 (VCV003013418.4), dbSNP rs2149847010, ClinGen allele CA360954865.
Genomic context (GRCh38, chr5:132,603,443, plus strand): 5'-TAAAGAACGACATAGAAGAACAAGAAACACTCTTGGGTACAATAATGCCTGAAGAAGAAA[G>C]TGCCAAAGTATGCCTGACAGATGTTACAATTATGGAGAGGTTCCAGGTAAGTTTATTGTA-3'
Protein context (NP_005723.2, residues 774-794): LLGTIMPEEE[Ser784Thr]AKVCLTDVTI

ClinVar aggregate classification (germline): Uncertain significance. Review status: criteria provided, multiple submitters, no conflicts (2 of 4 stars). 2 submissions from 2 submitters: Uncertain significance (2). Last evaluated 2024-07-08.

Conditions:
Hereditary cancer-predisposing syndrome. Also called: Neoplastic Syndromes, Hereditary; Tumor predisposition; Hereditary neoplastic syndrome; Hereditary Cancer Syndrome. Identifiers: Orphanet 140162, MedGen C0027672, MeSH D009386, MONDO:0015356.

Submissions (2):

Ambry Genetics
Classification: Uncertain significance for Hereditary cancer-predisposing syndrome. Last evaluated: 2024-07-08. Review status: criteria provided, single submitter. Criteria: Ambry Variant Classification Scheme 2023. Collection method: clinical testing. Allele origin: germline.
Comment: The p.S784T variant (also known as c.2351G>C), located in coding exon 14 of the RAD50 gene, results from a G to C substitution at nucleotide position 2351. The serine at codon 784 is replaced by threonine, an amino acid with similar properties. This amino acid position is conserved. In addition, this alteration is predicted to be tolerated by in silico analysis. Based on the available evidence, the clinical significance of this variant remains unclear.

Labcorp Genetics (formerly Invitae), Labcorp
Classification: Uncertain significance for Hereditary cancer-predisposing syndrome. Last evaluated: 2023-03-24. Review status: criteria provided, single submitter. Criteria: Invitae Variant Classification Sherloc (09022015). Collection method: clinical testing. Allele origin: germline.
Comment: This sequence change replaces serine, which is neutral and polar, with threonine, which is neutral and polar, at codon 784 of the RAD50 protein (p.Ser784Thr). This variant is not present in population databases (gnomAD no frequency). This variant has not been reported in the literature in individuals affected with RAD50-related conditions. Advanced modeling of protein sequence and biophysical properties (such as structural, functional, and spatial information, amino acid conservation, physicochemical variation, residue mobility, and thermodynamic stability) performed at Invitae indicates that this missense variant is not expected to disrupt RAD50 protein function. In summary, the available evidence is currently insufficient to determine the role of this variant in disease. Therefore, it has been classified as a Variant of Uncertain Significance.